The following is an entry in ClinVar:

NM_000258.3(MYL3):c.8C>A (p.Pro3His)

Gene: MYL3 (myosin light chain 3; minus strand). Cytogenetic location: 3p21.31.
Variant type: single nucleotide variant.
Coding change: c.8C>A on transcript NM_000258.3 (MANE Select); coding-DNA position 8, C replaced by A.
Protein change: p.Pro3His; replaces proline 3 with histidine.
Molecular consequence: missense variant.
Genome position (GRCh38, 1-based): chr3:46,863,383, G>T on the plus strand (C>A on the coding strand, the complement: MYL3 is on the minus strand). VCF-style: chr3-46863383-G-T. GRCh37 (hg19) VCF-style: chr3-46904873-G-T.
Other names: short protein forms P3H.
Identifiers: ClinVar variation 520280 (VCV000520280.8), dbSNP rs536404643, ClinGen allele CA045198.

ClinVar aggregate classification (germline): Uncertain significance. Review status: criteria provided, multiple submitters, no conflicts (2 of 4 stars). 3 submissions from 3 submitters: Uncertain significance (3). Last evaluated 2025-06-29.

Conditions:
Cardiomyopathy (CMYO). Also called: Cardiomyopathies. Identifiers: Orphanet 167848, MedGen C0878544, MONDO:0004994, HP:0001638. Inheritance: Various modes of inheritance.
Cardiovascular phenotype. Identifiers: MedGen CN230736.

Allele frequency attached by ClinVar (database versions not stated): ExAC 0.00001; 1000 Genomes Project 0.00020; gnomAD 0.00001; 1000 Genomes Project 30x 0.00016.
gnomAD v4.1: 3 of 1,613,224 alleles (0.00019%); highest among the groups gnomAD compares: South Asian, 0.0033%; no homozygotes.

Submissions (3):

GeneDx
Classification: Uncertain significance. Last evaluated: 2025-06-29. Review status: criteria provided, single submitter. Criteria: GeneDx Variant Classification Process June 2021. Collection method: clinical testing. Allele origin: germline. Affected: yes.
Comment: Not observed at significant frequency in large population cohorts (gnomAD); In silico analysis supports that this missense variant has a deleterious effect on protein structure/function; Has not been previously published as pathogenic or benign to our knowledge

CHEO Genetics Diagnostic Laboratory, Children's Hospital of Eastern Ontario
Classification: Uncertain significance for Cardiomyopathy. Last evaluated: 2021-01-22. Review status: criteria provided, single submitter. Criteria: ACMG Guidelines, 2015. Collection method: clinical testing. Allele origin: germline.

Ambry Genetics
Classification: Uncertain significance for Cardiovascular phenotype. Last evaluated: 2016-07-07. Review status: criteria provided, single submitter. Criteria: Ambry Variant Classification Scheme 2023. Collection method: clinical testing. Allele origin: germline.
Comment: The p.P3H variant (also known as c.8C>A), located in coding exon 1 of the MYL3 gene, results from a C to A substitution at nucleotide position 8. The proline at codon 3 is replaced by histidine, an amino acid with similar properties. This variant was previously reported in the SNPDatabase as rs536404643. Based on data from ExAC, the A allele has an overall frequency <0.01% (1/105418). This variant was not reported in population based cohorts in the following databases: NHLBI Exome Sequencing Project (ESP), and 1000 Genomes Project. In the ESP, this variant was not observed in 6503 samples (13006 alleles) with coverage at this position. This amino acid position is highly conserved in available vertebrate species. In addition, the in silico prediction for this alteration is inconclusive. Since supporting evidence is limited at this time, the clinical significance of this alteration remains unclear.